The following is an entry in ClinVar:

NM_000321.3(RB1):c.1389+6T>G

Gene: RB1 (RB transcriptional corepressor 1; plus strand). Cytogenetic location: 13q14.2.
Variant type: single nucleotide variant.
Coding change: c.1389+6T>G on transcript NM_000321.3 (MANE Select); 6 bases into the intron after coding-DNA position 1389, T replaced by G.
Molecular consequence: intron variant.
Genome position (GRCh38, 1-based): chr13:48,379,656, T>G. VCF-style: chr13-48379656-T-G. GRCh37 (hg19) VCF-style: chr13-48953792-T-G.
Identifiers: ClinVar variation 1698722 (VCV001698722.2), dbSNP rs2138141082, ClinGen allele CA913189106.

ClinVar aggregate classification (germline): Uncertain significance (1 of 4 stars; one submission).

Conditions:
Retinoblastoma (RB1). Also called: RETINOBLASTOMA, SOMATIC. Identifiers: Orphanet 790, MedGen C0035335, MeSH D012175, MONDO:0008380, OMIM 180200, HP:0009919. Disease mechanism: loss of function. Inheritance: Both sporadic and heritable forms are tested..

Submission:

Genetics and Molecular Pathology, SA Pathology
Classification: Uncertain significance for Retinoblastoma. Last evaluated: 2021-02-19. Review status: criteria provided, single submitter. Criteria: ACMG Guidelines, 2015. Collection method: clinical testing. Allele origin: germline. Inheritance: Autosomal dominant inheritance. Affected: yes.
Comment: PM2, PP3, PP4